The following is an entry in ClinVar:

NC_000009.12:g.35658025T>G

Gene: RMRP (RNA component of mitochondrial RNA processing endoribonuclease; minus strand). Cytogenetic location: 9p13.3.
Variant type: single nucleotide variant.
Genome position: GRCh38 VCF-style: chr9-35658025-T-G. GRCh37 (hg19) VCF-style: chr9-35658022-T-G.
Identifiers: ClinVar variation 2147520 (VCV002147520.1), dbSNP rs111909453, ClinGen allele CA192745756.

ClinVar aggregate classification (germline): Uncertain significance (1 of 4 stars; one submission).

Conditions:
Anauxetic dysplasia. Identifiers: Orphanet 93347, MedGen C1846796, MONDO:0011773.

Submission:

Labcorp Genetics (formerly Invitae), Labcorp
Classification: Uncertain significance for Anauxetic dysplasia. Last evaluated: 2022-04-29. Review status: criteria provided, single submitter. Criteria: Invitae Variant Classification Sherloc (09022015). Collection method: clinical testing. Allele origin: germline.
Comment: This variant occurs in the RMRP gene, which encodes an RNA molecule that does not result in a protein product. This variant is not present in population databases (gnomAD no frequency). This variant has not been reported in the literature in individuals affected with RMRP-related conditions. Experimental studies and prediction algorithms are not available or were not evaluated, and the functional significance of this variant is currently unknown. In summary, the available evidence is currently insufficient to determine the role of this variant in disease. Therefore, it has been classified as a Variant of Uncertain Significance.